The following is an entry in ClinVar:

NM_014956.5(CEP164):c.4060G>A (p.Asp1354Asn)

Gene: CEP164 (centrosomal protein 164; plus strand). Cytogenetic location: 11q23.3.
Variant type: single nucleotide variant.
Coding change: c.4060G>A on transcript NM_014956.5 (MANE Select); coding-DNA position 4060, G replaced by A.
Protein change: p.Asp1354Asn; replaces aspartic acid 1354 with asparagine.
Molecular consequence: missense variant.
Genome position (GRCh38, 1-based): chr11:117,409,929, G>A. VCF-style: chr11-117409929-G-A. GRCh37 (hg19) VCF-style: chr11-117280645-G-A.
Other names: c.4045G>A, p.Asp1349Asn (NM_001271933.2); short protein forms D1354N, D1349N.
Identifiers: ClinVar variation 569863 (VCV000569863.12), dbSNP rs200520898, ClinGen allele CA6295657.

ClinVar aggregate classification (germline): Conflicting classifications of pathogenicity. Review status: criteria provided, conflicting classifications (1 of 4 stars). 6 submissions from 6 submitters: Uncertain significance (3); Benign (1). 2 of the submissions do not count toward it. Last evaluated 2024-11-26.

Conditions:
Inborn genetic diseases. Identifiers: MedGen C0950123, MeSH D030342.
Nephronophthisis. Also called: Juvenile Nephronophthisis. Identifiers: Orphanet 655, MedGen C0687120, MONDO:0019005, HP:0000090.
CEP164-related disorder. Also called: CEP164-related condition.
Nephronophthisis 15 (NPHP15). Identifiers: Orphanet 3156, MedGen C3541853, MONDO:0013917, OMIM 614845.

Allele frequency attached by ClinVar (database versions not stated): gnomAD 0.00017 and 0.00020; TOPMed 0.00019; gnomAD exomes 0.00026; ExAC 0.00027; ESP Exome Variant Server 0.00038.
gnomAD v4.1: 321 of 1,614,164 alleles (0.02%); highest among the groups gnomAD compares: Middle Eastern, 0.18%; 1 homozygote.

Submissions (6):

Blueprint Genetics
Classification: Benign. Last evaluated: 2024-11-26. Review status: criteria provided, single submitter. Criteria: ACMG Guidelines, 2015. Collection method: clinical testing. Allele origin: germline.

Labcorp Genetics (formerly Invitae), Labcorp
Classification: Uncertain significance for Nephronophthisis 15. Last evaluated: 2024-01-11. Review status: criteria provided, single submitter. Criteria: Invitae Variant Classification Sherloc (09022015). Collection method: clinical testing. Allele origin: germline.
Comment: This sequence change replaces aspartic acid, which is acidic and polar, with asparagine, which is neutral and polar, at codon 1354 of the CEP164 protein (p.Asp1354Asn). This variant is present in population databases (rs200520898, gnomAD 0.1%). This variant has not been reported in the literature in individuals affected with CEP164-related conditions. ClinVar contains an entry for this variant (Variation ID: 569863). Advanced modeling of protein sequence and biophysical properties (such as structural, functional, and spatial information, amino acid conservation, physicochemical variation, residue mobility, and thermodynamic stability) performed at Invitae indicates that this missense variant is not expected to disrupt CEP164 protein function with a negative predictive value of 80%. In summary, the available evidence is currently insufficient to determine the role of this variant in disease. Therefore, it has been classified as a Variant of Uncertain Significance.

Fulgent Genetics
Classification: Uncertain significance for Nephronophthisis 15. Last evaluated: 2022-05-23. Review status: criteria provided, single submitter. Criteria: ACMG Guidelines, 2015. Collection method: clinical testing. Allele origin: unknown.

Ambry Genetics
Classification: Uncertain significance for Inborn genetic diseases. Last evaluated: 2022-02-11. Review status: criteria provided, single submitter. Criteria: Ambry Variant Classification Scheme 2023. Collection method: clinical testing. Allele origin: germline.

PreventionGenetics, part of Exact Sciences
Classification: Likely benign for CEP164-related condition. Last evaluated: 2024-09-11. Review status: no assertion criteria provided. Collection method: clinical testing. Allele origin: germline. Not counted in ClinVar's aggregate classification.
Comment: This variant is classified as likely benign based on ACMG/AMP sequence variant interpretation guidelines (Richards et al. 2015 PMID: 25741868, with internal and published modifications).

Sydney Genome Diagnostics, Children's Hospital Westmead
Classification: Uncertain significance for Nephronophthisis. Last evaluated: 2016-10-03. Review status: no assertion criteria provided. Collection method: clinical testing. Allele origin: unknown. Affected: yes. Observed: 1 variant allele, 1 homozygote. Not counted in ClinVar's aggregate classification.
Comment: To our knowledge, this variant has not been previously reported in the literature. This variant has been reported in dbSNP (rs200520898) and ESP with a minor allele frequency of 0.05% in a European American population. In silico analysis (Alamut Visual v2.4) using PolyPhen2, SIFT, Align GVGD and Mutation Taster all suggest that this variant does not affect protein function and is likely to be a non-pathogenic variant. Alamut Visual v2.4 also predicts this variant does not affect splicing. However, this analysis alone cannot be used to exclude pathogenicity.